The following is an entry in ClinVar:

ClinVar aggregate classification (germline): Uncertain significance (1 of 4 stars; one submission).

Conditions:
Cystic fibrosis (CF). Also called: MUCOVISCIDOSIS. Identifiers: Orphanet 586, MedGen C0010674, MONDO:0009061, OMIM 219700. Disease mechanism: loss of function.

Submission:

Ambry Genetics
Classification: Uncertain significance for Cystic fibrosis. Last evaluated: 2025-07-28. Review status: criteria provided, single submitter. Criteria: Ambry Variant Classification Scheme 2023. Collection method: clinical testing. Allele origin: germline.
Comment: The p.P740S variant (also known as c.2218C>T), located in coding exon 14 of the CFTR gene, results from a C to T substitution at nucleotide position 2218. The proline at codon 740 is replaced by serine, an amino acid with similar properties. This amino acid position is conserved. In addition, the in silico prediction for this alteration is inconclusive. Based on the available evidence, the clinical significance of this variant remains unclear.

NM_000492.4(CFTR):c.2218C>T (p.Pro740Ser)

Gene: CFTR (CF transmembrane conductance regulator; plus strand). Cytogenetic location: 7q31.2.
Variant type: single nucleotide variant.
Coding change: c.2218C>T on transcript NM_000492.4 (MANE Select); coding-DNA position 2218, C replaced by T.
Protein change: p.Pro740Ser; replaces proline 740 with serine.
Molecular consequence: missense variant.
Genome position (GRCh38, 1-based): chr7:117,592,385, C>T. VCF-style: chr7-117592385-C-T. GRCh37 (hg19) VCF-style: chr7-117232439-C-T.
Other names: short protein forms P740S.
Identifiers: ClinVar variation 4227419 (VCV004227419.1).